The following is an entry in ClinVar:

ClinVar aggregate classification (germline): Likely benign (1 of 4 stars; one submission).

Allele frequency attached by ClinVar (database versions not stated): gnomAD 0.00001.
gnomAD v4.1: 1 of 1,613,814 alleles (0.000062%); highest among the groups gnomAD compares: Admixed American, 0.0017%; no homozygotes.

Submission:

GeneDx
Classification: Likely benign. Last evaluated: 2017-08-28. Review status: criteria provided, single submitter. Criteria: GeneDx Variant Classification (06012015). Collection method: clinical testing. Allele origin: germline. Affected: yes.
Comment: This variant is considered likely benign or benign based on one or more of the following criteria: it is a conservative change, it occurs at a poorly conserved position in the protein, it is predicted to be benign by multiple in silico algorithms, and/or has population frequency not consistent with disease.

NM_001267550.2(TTN):c.584-4A>G

Gene: TTN (titin; minus strand). Cytogenetic location: 2q31.2.
Variant type: single nucleotide variant.
Coding change: c.584-4A>G on transcript NM_001267550.2 (MANE Select); 4 bases into the intron before coding-DNA position 584, A replaced by G.
Molecular consequence: intron variant.
Genome position (GRCh38, 1-based): chr2:178,799,914, T>C on the plus strand (A>G on the coding strand, the complement: TTN is on the minus strand). VCF-style: chr2-178799914-T-C. GRCh37 (hg19) VCF-style: chr2-179664641-T-C.
Other names: c.584-4A>G (NM_003319.4, NM_133437.4, NM_133432.3 and 3 more transcripts).
Identifiers: ClinVar variation 511839 (VCV000511839.1), dbSNP rs868433615, ClinGen allele CA658796106.